The following is an entry in ClinVar:

ClinVar aggregate classification (germline): Benign/Likely benign. Review status: criteria provided, multiple submitters, no conflicts (2 of 4 stars). 8 submissions from 8 submitters: Benign (3); Likely benign (4). 1 of the submissions does not count toward it. Last evaluated 2026-08-01.

Conditions:
ARID1B-Related Disorder. Identifiers: MedGen CN381337.
Inborn genetic diseases. Identifiers: MedGen C0950123, MeSH D030342.

Submissions (8):

CeGaT Center for Human Genetics Tuebingen
Classification: Benign. Last evaluated: 2026-08-01. Review status: criteria provided, single submitter. Criteria: CeGaT Center For Human Genetics Tuebingen Variant Classification Criteria Version 2. Collection method: clinical testing. Allele origin: germline. Affected: yes. Observed: 26 variant alleles.
Comment: ARID1B: BS1, BS2

Labcorp Genetics (formerly Invitae), Labcorp
Classification: Likely benign. Last evaluated: 2026-01-16. Review status: criteria provided, single submitter. Criteria: Invitae Variant Classification Sherloc (09022015). Collection method: clinical testing. Allele origin: germline.

Laboratory of Genetics, Children's Clinical University Hospital Latvia
Classification: Likely benign. Last evaluated: 2025-02-16. Review status: criteria provided, single submitter. Criteria: ACMG Guidelines, 2015. Collection method: clinical testing. Allele origin: germline. Affected: yes.

Blueprint Genetics
Classification: Likely benign. Last evaluated: 2024-11-22. Review status: criteria provided, single submitter. Criteria: ACMG Guidelines, 2015. Collection method: clinical testing. Allele origin: germline.

GeneDx
Classification: Likely benign. Last evaluated: 2021-03-11. Review status: criteria provided, single submitter. Criteria: GeneDx Variant Classification Process June 2021. Collection method: clinical testing. Allele origin: germline. Affected: yes.
Comment: This variant is associated with the following publications: (PMID: 22405089)

Genetic Services Laboratory, University of Chicago
Classification: Benign. Last evaluated: 2019-04-01. Review status: criteria provided, single submitter. Criteria: ACMG Guidelines, 2015. Collection method: clinical testing. Allele origin: germline. Affected: no.

Ambry Genetics
Classification: Benign for Inborn genetic diseases. Last evaluated: 2017-09-22. Review status: criteria provided, single submitter. Criteria: Ambry Variant Classification Scheme 2023. Collection method: clinical testing. Allele origin: germline.

PreventionGenetics, part of Exact Sciences
Classification: Benign for ARID1B-related condition. Last evaluated: 2019-03-19. Review status: no assertion criteria provided. Collection method: clinical testing. Allele origin: germline. Not counted in ClinVar's aggregate classification.
Comment: This variant is classified as benign based on ACMG/AMP sequence variant interpretation guidelines (Richards et al. 2015 PMID: 25741868, with internal and published modifications).

NM_001374828.1(ARID1B):c.615GCA[8] (p.Gln214_His215insGln)

Genes: ARID1B (AT-rich interaction domain 1B; plus strand), LOC115308161 (uncharacterized LOC115308161; minus strand). Cytogenetic location: 6q25.3.
Variant type: Microsatellite.
Coding change: c.615GCA[8] on transcript NM_001374828.1 (MANE Select); eight copies in a row of the 3-base unit GCA starting at c.615; the reference has seven copies in a row; one copy, 3 bases duplicated.
Protein change: p.Gln214_His215insGln.
Molecular consequence: inframe insertion. On other transcripts: non-coding transcript variant (1).
Genome position (GRCh38, 1-based): chr6:156,778,313-156,778,315, GCA duplicated; duplicating any 3 consecutive bases within chr6:156,778,293-156,778,315 gives the same sequence; the position shown is the placement nearest the transcript's 3' end. VCF-style (leftmost placement, unchanged base first): chr6-156778292-A-ACAG. GRCh37 (hg19) VCF-style: chr6-157099426-A-ACAG.
Other names: c.615GCA[8], p.Gln214_His215insGln (NM_001371656.1, NM_001374820.1, NM_017519.3); c.384_386dupGCA (NM_020732.3).
Identifiers: ClinVar variation 210289 (VCV000210289.84), dbSNP rs587779744, ClinGen allele CA209381.
Genomic context (GRCh38, chr6:156,778,292, plus strand): 5'-CCACCACCACGCACTACAGCAGCAGCTAAACCAGTTCCAGCAGCAGCAGCAGCAGCAGCA[A>ACAG]CAGCAGCAGCAGCAGCAGCAGCAACAGCAACATCCCATTTCCAACAACAACAGCTTGGGC-3'